The following is an entry in ClinVar:

ClinVar aggregate classification (germline): Likely benign. Review status: criteria provided, multiple submitters, no conflicts (2 of 4 stars). 3 submissions from 3 submitters: Likely benign (2). 1 of the submissions does not count toward it. Last evaluated 2026-01-27.

Conditions:
KIF1B-related disorder. Also called: KIF1B-related condition.
Charcot-Marie-Tooth disease type 2. Also called: Charcot-Marie-Tooth type 2. Identifiers: Orphanet 64746, MedGen C0270914, MONDO:0018993.

Allele frequency attached by ClinVar (database versions not stated): gnomAD 0.00003; gnomAD exomes 0.00006 and 0.00030; TOPMed 0.00008; ExAC 0.00023; 1000 Genomes Project 30x 0.00062; 1000 Genomes Project 0.00020.
gnomAD v4.1: 92 of 1,613,654 alleles (0.0057%); highest among the groups gnomAD compares: Admixed American, 0.14%; no homozygotes.

Submissions (3):

Labcorp Genetics (formerly Invitae), Labcorp
Classification: Likely benign for Charcot-Marie-Tooth disease type 2. Last evaluated: 2026-01-27. Review status: criteria provided, single submitter. Criteria: Invitae Variant Classification Sherloc (09022015). Collection method: clinical testing. Allele origin: germline.

Ambry Genetics
Classification: Likely benign. Last evaluated: 2020-10-02. Review status: criteria provided, single submitter. Criteria: Ambry Variant Classification Scheme 2023. Collection method: clinical testing. Allele origin: germline.

PreventionGenetics, part of Exact Sciences
Classification: Likely benign for KIF1B-related condition. Last evaluated: 2020-02-05. Review status: no assertion criteria provided. Collection method: clinical testing. Allele origin: germline. Not counted in ClinVar's aggregate classification.
Comment: This variant is classified as likely benign based on ACMG/AMP sequence variant interpretation guidelines (Richards et al. 2015 PMID: 25741868, with internal and published modifications).

NM_001365951.3(KIF1B):c.1867C>T (p.Arg623Cys)

Gene: KIF1B (kinesin family member 1B; plus strand). Cytogenetic location: 1p36.22.
Variant type: single nucleotide variant.
Coding change: c.1867C>T on transcript NM_001365951.3 (MANE Select); coding-DNA position 1867, C replaced by T.
Protein change: p.Arg623Cys; replaces arginine 623 with cysteine.
Molecular consequence: missense variant.
Genome position (GRCh38, 1-based): chr1:10,296,902, C>T. VCF-style: chr1-10296902-C-T. GRCh37 (hg19) VCF-style: chr1-10356960-C-T.
Other names: c.1867C>T, p.Arg623Cys (NM_001365952.1); c.1729C>T, p.Arg577Cys (NM_001365953.1, NM_015074.3, NM_183416.4); short protein forms R577C, R623C.
Identifiers: ClinVar variation 1107215 (VCV001107215.13), dbSNP rs150271500, ClinGen allele CA581122.